The following is an entry in ClinVar:

NM_000372.5(TYR):c.553A>G (p.Met185Val)

Gene: TYR (tyrosinase; plus strand). Cytogenetic location: 11q14.3.
Variant type: single nucleotide variant.
Coding change: c.553A>G on transcript NM_000372.5 (MANE Select); coding-DNA position 553, A replaced by G.
Protein change: p.Met185Val; replaces methionine 185 with valine.
Molecular consequence: missense variant.
Genome position (GRCh38, 1-based): chr11:89,178,506, A>G. VCF-style: chr11-89178506-A-G. GRCh37 (hg19) VCF-style: chr11-88911674-A-G.
Other names: short protein forms M185V.
Identifiers: ClinVar variation 3251339 (VCV003251339.1), dbSNP rs1943257744.
Genomic context (GRCh38, chr11:89,178,506, plus strand): 5'-CCCATGTTTAACGACATCAATATTTATGACCTCTTTGTCTGGATGCATTATTATGTGTCA[A>G]TGGATGCACTGCTTGGGGGATCTGAAATCTGGAGAGACATTGATTTTGCCCATGAAGCAC-3'
Protein context (NP_000363.1, residues 175-195): LFVWMHYYVS[Met185Val]DALLGGSEIW

ClinVar aggregate classification (germline): Uncertain significance (1 of 4 stars; one submission).

Allele frequency attached by ClinVar (database versions not stated): gnomAD exomes below 0.00001; TOPMed below 0.00001; gnomAD 0.00001.

Submission:

Women's Health and Genetics/Laboratory Corporation of America, LabCorp
Classification: Uncertain significance. Last evaluated: 2024-04-11. Review status: criteria provided, single submitter. Criteria: LabCorp Variant Classification Summary - May 2015. Collection method: clinical testing. Allele origin: germline.
Comment: Variant summary: TYR c.553A>G (p.Met185Val) results in a conservative amino acid change located in the Tyrosinase copper-binding domain (IPR002227) of the encoded protein sequence. Four of five in-silico tools predict a benign effect of the variant on protein function. The variant was absent in 251452 control chromosomes. The available data on variant occurrences in the general population are insufficient to allow any conclusion about variant significance. c.553A>G has been reported in the literature in at least one compound heterozygous individual affected with Oculocutaneous Albinism 1B (e.g. Wei_2010). These data do not provide sufficient evidence to allow any conclusion about variant significance. To our knowledge, no experimental evidence demonstrating an impact on protein function has been reported. The following publication has been ascertained in the context of this evaluation (PMID: 19865097). No submitters have cited clinical-significance assessments for this variant to ClinVar. Based on the evidence outlined above, the variant was classified as uncertain significance.

Literature cited by the submitters: PubMed 19865097.